The following is an entry in ClinVar:

ClinVar aggregate classification (germline): Uncertain significance (1 of 4 stars; one submission).

Conditions:
Hereditary cancer-predisposing syndrome. Also called: Neoplastic Syndromes, Hereditary; Tumor predisposition; Hereditary neoplastic syndrome; Hereditary Cancer Syndrome. Identifiers: Orphanet 140162, MedGen C0027672, MeSH D009386, MONDO:0015356.

Allele frequency attached by ClinVar (database versions not stated): gnomAD 0.00001.
gnomAD v4.1: 1 of 1,613,850 alleles (0.000062%); highest among the groups gnomAD compares: Non-Finnish European, 0.000085%; no homozygotes.

Submission:

Ambry Genetics
Classification: Uncertain significance for Hereditary cancer-predisposing syndrome. Last evaluated: 2023-11-20. Review status: criteria provided, single submitter. Criteria: Ambry Variant Classification Scheme 2023. Collection method: clinical testing. Allele origin: germline.
Comment: The p.V837I variant (also known as c.2509G>A), located in coding exon 9 of the BRCA1 gene, results from a G to A substitution at nucleotide position 2509. The valine at codon 837 is replaced by isoleucine, an amino acid with highly similar properties. This amino acid position is not well conserved in available vertebrate species. In addition, this alteration is predicted to be tolerated by in silico analysis. Since supporting evidence is limited at this time, the clinical significance of this alteration remains unclear.

NM_007294.4(BRCA1):c.2509G>A (p.Val837Ile)

Gene: BRCA1 (BRCA1 DNA repair associated; minus strand). Cytogenetic location: 17q21.31.
Variant type: single nucleotide variant.
Coding change: c.2509G>A on transcript NM_007294.4 (MANE Select); coding-DNA position 2509, G replaced by A.
Protein change: p.Val837Ile; replaces valine 837 with isoleucine.
Molecular consequence: missense variant. On other transcripts: intron variant (137).
Genome position (GRCh38, 1-based): chr17:43,093,022, C>T on the plus strand (G>A on the coding strand, the complement: BRCA1 is on the minus strand). VCF-style: chr17-43093022-C-T. GRCh37 (hg19) VCF-style: chr17-41245039-C-T.
Other names: c.2296G>A, p.Val766Ile (NM_001407917.1, NM_001407918.1, NM_001407571.1 and 9 more transcripts); c.2245G>A, p.Val749Ile (NM_001407920.1, NM_001407921.1, NM_001407922.1 and 9 more transcripts); c.2386G>A, p.Val796Ile (NM_001407919.1, NM_001407648.1, NM_001407664.1 and 19 more transcripts); c.1621G>A, p.Val541Ile (NM_001407967.1, NM_001407966.1); c.2368G>A, p.Val790Ile (NM_007297.4, NM_001407692.1, NM_001407694.1 and 29 more transcripts); c.2509G>A, p.Val837Ile (NM_007300.4, NM_001407581.1, NM_001407582.1 and 30 more transcripts); c.646+1722G>A (NM_001408458.1, NM_001408469.1, NM_001408453.1 and 11 more transcripts); c.283+1722G>A (NM_001408512.1); and 41 more; short protein forms V541I, V669I, V709I, V710I, V725I, V726I, V748I, V749I.
Identifiers: ClinVar variation 3226119 (VCV003226119.1), dbSNP rs2053747957, ClinGen allele CA10596979.